The following is an entry in ClinVar:

ClinVar aggregate classification (germline): Uncertain significance. Review status: criteria provided, multiple submitters, no conflicts (2 of 4 stars). 2 submissions from 2 submitters: Uncertain significance (2). Last evaluated 2023-06-03.

Conditions:
Pitt-Hopkins-like syndrome 2 (PTHSL2). Identifiers: Orphanet 221150, Orphanet 600663, MedGen C3280479, MONDO:0013690, OMIM 614325.

gnomAD v4.1: 8 of 1,574,300 alleles (0.00051%); highest among the groups gnomAD compares: Non-Finnish European, 0.00069%; no homozygotes.

Submissions (2):

Labcorp Genetics (formerly Invitae), Labcorp
Classification: Uncertain significance for Pitt-Hopkins-like syndrome 2. Last evaluated: 2023-06-03. Review status: criteria provided, single submitter. Criteria: Invitae Variant Classification Sherloc (09022015). Collection method: clinical testing. Allele origin: germline.
Comment: This sequence change replaces glutamic acid, which is acidic and polar, with aspartic acid, which is acidic and polar, at codon 53 of the NRXN1 protein (p.Glu53Asp). In summary, the available evidence is currently insufficient to determine the role of this variant in disease. Therefore, it has been classified as a Variant of Uncertain Significance. An algorithm developed to predict the effect of missense changes on protein structure and function (PolyPhen-2) suggests that this variant is likely to be tolerated. This variant has not been reported in the literature in individuals affected with NRXN1-related conditions. This variant is not present in population databases (gnomAD no frequency).

Blueprint Genetics
Classification: Uncertain significance. Last evaluated: 2017-05-15. Review status: criteria provided, single submitter. Criteria: ACMG Guidelines, 2015. Collection method: clinical testing. Allele origin: germline.

NM_001330078.2(NRXN1):c.159G>C (p.Glu53Asp)

Gene: NRXN1 (neurexin 1; minus strand). Cytogenetic location: 2p16.3.
Variant type: single nucleotide variant.
Coding change: c.159G>C on transcript NM_001330078.2 (MANE Select); coding-DNA position 159, G replaced by C.
Protein change: p.Glu53Asp; replaces glutamic acid 53 with aspartic acid.
Molecular consequence: missense variant.
Genome position (GRCh38, 1-based): chr2:51,028,115, C>G on the plus strand (G>C on the coding strand, the complement: NRXN1 is on the minus strand). VCF-style: chr2-51028115-C-G. GRCh37 (hg19) VCF-style: chr2-51255253-C-G.
Other names: c.159G>C, p.Glu53Asp (NM_001135659.3, NM_001330077.2, NM_001330079.2 and 15 more transcripts); short protein forms E53D.
Identifiers: ClinVar variation 2990604 (VCV002990604.4), dbSNP rs1057524126, ClinGen allele CA346824575.
Genomic context (GRCh38, chr2:51,028,115, plus strand): 5'-CTCGTCGTCGAAGTAGAGCACGAGGCCGCGGGCGCTGCGAGTCTTGAGCTGGAAGCTCAT[C>G]TCGCTCTCGCAGCAGGCGTTCCACTTGGGGAAGCGCGTCCATTGGCCCTCGGCGCCCGGA-3'
Protein context (NP_001317007.1, residues 43-63): FPKWNACCES[Glu53Asp]MSFQLKTRSA